The following is an entry in ClinVar:

ClinVar aggregate classification (germline): Pathogenic/Likely pathogenic. Review status: criteria provided, multiple submitters, no conflicts (2 of 4 stars). 2 submissions from 2 submitters: Pathogenic (1); Likely pathogenic (1). Last evaluated 2025-04-29.

Submissions (2):

Labcorp Genetics (formerly Invitae), Labcorp
Classification: Likely pathogenic. Last evaluated: 2025-04-29. Review status: criteria provided, single submitter. Criteria: Invitae Variant Classification Sherloc (09022015). Collection method: clinical testing. Allele origin: germline.
Comment: This sequence change replaces glycine, which is neutral and non-polar, with arginine, which is basic and polar, at codon 2257 of the COL7A1 protein (p.Gly2257Arg). This variant is not present in population databases (gnomAD no frequency). This missense change has been observed in individual(s) with dystrophic epidermolysis bullosa (PMID: 36287101). ClinVar contains an entry for this variant (Variation ID: 279791). Invitae Evidence Modeling of protein sequence and biophysical properties (such as structural, functional, and spatial information, amino acid conservation, physicochemical variation, residue mobility, and thermodynamic stability) indicates that this missense variant is expected to disrupt COL7A1 protein function with a positive predictive value of 95%. This variant disrupts the triple helix domain of COL7A1. Glycine residues within the Gly-Xaa-Yaa repeats of the triple helix domain are required for the structure and stability of fibrillar collagens (PMID: 7695699, 8218237, 19344236), and variants at these glycine residues in COL7A1 are more frequently observed in individuals with disease than in the general population (PMID: 22058051). However, the clinical significance of this observation remains uncertain since only a limited number of affected individuals have been described to date. This variant disrupts the p.Gly2257 amino acid residue in COL7A1. Other variant(s) that disrupt this residue have been observed in individuals with COL7A1-related conditions (PMID: 27130450, 36287101), which suggests that this may be a clinically significant amino acid residue. In summary, the currently available evidence indicates that the variant is pathogenic, but additional data are needed to prove that conclusively. Therefore, this variant has been classified as Likely Pathogenic.

GeneDx
Classification: Pathogenic. Last evaluated: 2016-03-01. Review status: criteria provided, single submitter. Criteria: GeneDx Variant Classification (06012015). Collection method: clinical testing. Allele origin: germline. Affected: yes.
Comment: The G2257R pathogenic variant in the COL7A1 gene has not been reported previously as a pathogenic variant nor as a benign variant, to our knowledge. A different amino acid substitution at the same residue (G2257A) has been reported in the heterozygous state in an individual with non Hallopeau Siemens dystrophic epidermolysis bullosa in whom a second pathogenic variant was not identified (Varki et al., 2007). Many additional missense variants in other Glycine residues in the triple helical domain of the colVII molecule have been reported in the Human Gene Mutation Database in association with DEB (Stenson et al., 2014), supporting the functional importance of this region of the protein. The G2257R variant was not observed in approximately 6,500 individuals of European and African American ancestry in the NHLBI Exome Sequencing Project, indicating it is not a common benign variant in these populations. The G2257R variant is a non-conservative amino acid substitution, which is likely to impact secondary protein structure as these residues differ in polarity, charge, size and/or other properties. This substitution occurs at a position that is conserved across species. In silico analysis predicts this variant is probably damaging to the protein structure/function, as it occurs at the first Glycine position of the canonical Gly-X-Y repeat in the collagenous domain of the COLVII protein. Glycine substitution variants in this region of the collagen VII protein will destabilize the collagen triple helix resulting in anchoring fibrils that are fragile and result in poor anchoring off the basement membrane to the underlying dermis. Therefore, we interpret G2257R as a pathogenic variant.

Literature cited by the submitters: PubMed 36287101 (cited by Labcorp Genetics (formerly Invitae), Labcorp); PubMed 7695699 (cited by Labcorp Genetics (formerly Invitae), Labcorp); PubMed 8218237 (cited by Labcorp Genetics (formerly Invitae), Labcorp); PubMed 19344236 (cited by Labcorp Genetics (formerly Invitae), Labcorp); PubMed 22058051 (cited by Labcorp Genetics (formerly Invitae), Labcorp); PubMed 27130450 (cited by Labcorp Genetics (formerly Invitae), Labcorp).

NM_000094.4(COL7A1):c.6769G>A (p.Gly2257Arg)

Gene: COL7A1 (collagen type VII alpha 1 chain; minus strand). Cytogenetic location: 3p21.31.
Variant type: single nucleotide variant.
Coding change: c.6769G>A on transcript NM_000094.4 (MANE Select); coding-DNA position 6769, G replaced by A.
Protein change: p.Gly2257Arg; replaces glycine 2257 with arginine.
Molecular consequence: missense variant.
Genome position (GRCh38, 1-based): chr3:48,572,924, C>T on the plus strand (G>A on the coding strand, the complement: COL7A1 is on the minus strand). VCF-style: chr3-48572924-C-T. GRCh37 (hg19) VCF-style: chr3-48610357-C-T.
Other names: short protein forms G2257R.
Identifiers: ClinVar variation 279791 (VCV000279791.3), dbSNP rs886041189, ClinGen allele CA10602884.